The following is an entry in ClinVar:

ClinVar aggregate classification (germline): Pathogenic (1 of 4 stars; one submission).

Submission:

Labcorp Genetics (formerly Invitae), Labcorp
Classification: Pathogenic. Last evaluated: 2020-08-20. Review status: criteria provided, single submitter. Criteria: Invitae Variant Classification Sherloc (09022015). Collection method: clinical testing. Allele origin: germline.
Comment: Loss-of-function variants in RARS2 are known to be pathogenic (PMID: 17847012, 22569581, 26083569). Algorithms developed to predict the effect of sequence changes on RNA splicing suggest that this variant may disrupt the consensus splice site, but this prediction has not been confirmed by published transcriptional studies. This variant has not been reported in the literature in individuals with RARS2-related conditions. This variant is not present in population databases (ExAC no frequency). This sequence change creates a premature translational stop signal (p.Thr100Glnfs*6) in the RARS2 gene. It is expected to result in an absent or disrupted protein product. For these reasons, this variant has been classified as Pathogenic.

Literature cited by the submitters: PubMed 17847012; PubMed 22569581; PubMed 26083569.

NM_020320.5(RARS2):c.297+1del

Gene: RARS2 (arginyl-tRNA synthetase 2, mitochondrial; minus strand). Cytogenetic location: 6q15.
Variant type: Deletion.
Coding change: c.297+1del on transcript NM_020320.5 (MANE Select); the canonical splice donor site of the intron after coding-DNA position 297, one base deleted (G; older notation c.297+1delG).
Molecular consequence: splice donor variant.
Genome position (GRCh38, 1-based): chr6:87,562,701, C deleted on the plus strand (G on the coding strand, the reverse complement: RARS2 is on the minus strand); the first of 2 consecutive C bases (chr6:87,562,701-87,562,702); deleting either gives the same sequence. VCF-style (leftmost placement, unchanged base first): chr6-87562700-AC-A. GRCh37 (hg19) VCF-style: chr6-88272418-AC-A.
Other names: c.297+1del (NM_001350505.2); c.-173+1del (NM_001350509.2, NM_001318785.2); c.-229+1del (NM_001350506.2, NM_001350510.2, NM_001350511.2 and 1 more transcripts); c.-391+1del (NM_001350508.2).
Identifiers: ClinVar variation 1075015 (VCV001075015.7), dbSNP rs2128169501, ClinGen allele CA2499218599.
Genomic context (GRCh38, chr6:87,562,700, plus strand): 5'-GACCACTGTGGCTGAAGCAGACAGAATGAAAGCACAATGGCTGGATATTAACTTATTCTT[AC>A]CTTTGTTAAGAGCTCTCTGTTTATTTTGAAATTTACAGTCCTTTGACCAGTACTGATTTC-3'